The following is an entry in ClinVar:

ClinVar aggregate classification (germline): Uncertain significance (1 of 4 stars; one submission).

Conditions:
Colorectal cancer, hereditary nonpolyposis, type 7. Identifiers: Orphanet 144, MedGen C1858380, MONDO:0013725, OMIM 614385.

gnomAD v4.1: 2 of 1,614,140 alleles (0.00012%); highest among the groups gnomAD compares: South Asian, 0.0011%; no homozygotes.

Submission:

Labcorp Genetics (formerly Invitae), Labcorp
Classification: Uncertain significance for Colorectal cancer, hereditary nonpolyposis, type 7. Last evaluated: 2023-12-04. Review status: criteria provided, single submitter. Criteria: Invitae Variant Classification Sherloc (09022015). Collection method: clinical testing. Allele origin: germline.
Comment: This sequence change replaces glutamine, which is neutral and polar, with histidine, which is basic and polar, at codon 1392 of the MLH3 protein (p.Gln1392His). This variant is present in population databases (no rsID available, gnomAD 0.003%). This variant has not been reported in the literature in individuals affected with MLH3-related conditions. An algorithm developed to predict the effect of missense changes on protein structure and function (PolyPhen-2) suggests that this variant is likely to be disruptive. In summary, the available evidence is currently insufficient to determine the role of this variant in disease. Therefore, it has been classified as a Variant of Uncertain Significance.

NM_001040108.2(MLH3):c.4176G>T (p.Gln1392His)

Gene: MLH3 (mutL homolog 3; minus strand). Cytogenetic location: 14q24.3.
Variant type: single nucleotide variant.
Coding change: c.4176G>T on transcript NM_001040108.2 (MANE Select); coding-DNA position 4176, G replaced by T.
Protein change: p.Gln1392His; replaces glutamine 1392 with histidine.
Molecular consequence: missense variant.
Genome position (GRCh38, 1-based): chr14:75,018,895, C>A on the plus strand (G>T on the coding strand, the complement: MLH3 is on the minus strand). VCF-style: chr14-75018895-C-A. GRCh37 (hg19) VCF-style: chr14-75485598-C-A.
Other names: c.4104G>T, p.Gln1368His (NM_014381.3); short protein forms Q1392H, Q1368H.
Identifiers: ClinVar variation 2700741 (VCV002700741.3), dbSNP rs774372641, ClinGen allele CA390418923.